The following is an entry in ClinVar:

NM_018075.5(ANO10):c.1179_1180del (p.Glu393fs)

Gene: ANO10 (anoctamin 10; minus strand). Cytogenetic location: 3p22.1.
Variant type: Deletion.
Coding change: c.1179_1180del on transcript NM_018075.5 (MANE Select); coding-DNA positions 1179 to 1180, 2 bases deleted (AT; older notation c.1179_1180delAT).
Protein change: p.Glu393fs; shifts the reading frame from glutamic acid 393.
Molecular consequence: frameshift variant.
Genome position (GRCh38, 1-based): chr3:43,574,847-43,574,848, AT deleted on the plus strand (AT on the coding strand, the reverse complement: ANO10 is on the minus strand). VCF-style (leftmost placement, unchanged base first): chr3-43574846-GAT-G. GRCh37 (hg19) VCF-style: chr3-43616338-GAT-G.
Other names: c.1179_1180del, p.Glu393fs (NM_001204831.3, NM_001346463.2, NM_001346464.2 and 3 more transcripts); c.981_982del, p.Glu327fs (NM_001204832.3, NM_001346466.2, NM_001346469.2); c.846_847del, p.Glu282fs (NM_001204833.3); c.609_610del, p.Glu203fs (NM_001204834.3); short protein forms E203fs, E282fs, E327fs, E393fs.
Identifiers: ClinVar variation 1807054 (VCV001807054.1), dbSNP rs2529329129, ClinGen allele CA2580069847.

ClinVar aggregate classification (germline): Likely pathogenic (1 of 4 stars; one submission).

Submission:

Athena Diagnostics
Classification: Likely pathogenic. Last evaluated: 2021-08-31. Review status: criteria provided, single submitter. Criteria: Athena Diagnostics Criteria. Collection method: clinical testing. Allele origin: unknown.
Comment: This variant is expected to result in the loss of a functional protein. This variant has not been reported in large, multi-ethnic general populations.